The following is an entry in ClinVar:

ClinVar aggregate classification (germline): Uncertain significance (1 of 4 stars; one submission).

Submission:

GeneDx
Classification: Uncertain significance. Last evaluated: 2023-06-20. Review status: criteria provided, single submitter. Criteria: GeneDx Variant Classification Process June 2021. Collection method: clinical testing. Allele origin: germline. Affected: yes.
Comment: Has not been previously published as pathogenic or benign to our knowledge; Not observed at significant frequency in large population cohorts (gnomAD); In silico analysis supports that this missense variant has a deleterious effect on protein structure/function

NM_003470.3(USP7):c.1013A>T (p.Asp338Val)

Gene: USP7 (ubiquitin specific peptidase 7; minus strand). Cytogenetic location: 16p13.2.
Variant type: single nucleotide variant.
Coding change: c.1013A>T on transcript NM_003470.3 (MANE Select); coding-DNA position 1013, A replaced by T.
Protein change: p.Asp338Val; replaces aspartic acid 338 with valine.
Molecular consequence: missense variant. On other transcripts: non-coding transcript variant (1).
Genome position (GRCh38, 1-based): chr16:8,915,319, T>A on the plus strand (A>T on the coding strand, the complement: USP7 is on the minus strand). VCF-style: chr16-8915319-T-A. GRCh37 (hg19) VCF-style: chr16-9009176-T-A.
Other names: c.965A>T, p.Asp322Val (NM_001286457.2); c.716A>T, p.Asp239Val (NM_001286458.2); c.839A>T, p.Asp280Val (NM_001321858.2); short protein forms D239V, D280V, D322V, D338V.
Identifiers: ClinVar variation 3360144 (VCV003360144.1).